The following is an entry in ClinVar:

NM_000342.4(SLC4A1):c.2493G>T (p.Trp831Cys)

Gene: SLC4A1 (solute carrier family 4 member 1 (Diego blood group); minus strand). Cytogenetic location: 17q21.31.
Variant type: single nucleotide variant.
Coding change: c.2493G>T on transcript NM_000342.4 (MANE Select); coding-DNA position 2493, G replaced by T.
Protein change: p.Trp831Cys; replaces tryptophan 831 with cysteine.
Molecular consequence: missense variant.
Genome position (GRCh38, 1-based): chr17:44,251,321, C>A on the plus strand (G>T on the coding strand, the complement: SLC4A1 is on the minus strand). VCF-style: chr17-44251321-C-A. GRCh37 (hg19) VCF-style: chr17-42328689-C-A.
Other names: short protein forms W831C.
Identifiers: ClinVar variation 4693340 (VCV004693340.1).

ClinVar aggregate classification (germline): Uncertain significance (1 of 4 stars; one submission).

Submission:

Labcorp Genetics (formerly Invitae), Labcorp
Classification: Uncertain significance. Last evaluated: 2025-02-11. Review status: criteria provided, single submitter. Criteria: Invitae Variant Classification Sherloc (09022015). Collection method: clinical testing. Allele origin: germline.
Comment: This sequence change replaces tryptophan, which is neutral and slightly polar, with cysteine, which is neutral and slightly polar, at codon 831 of the SLC4A1 protein (p.Trp831Cys). This variant is not present in population databases (gnomAD no frequency). This variant has not been reported in the literature in individuals affected with SLC4A1-related conditions. Invitae Evidence Modeling of protein sequence and biophysical properties (such as structural, functional, and spatial information, amino acid conservation, physicochemical variation, residue mobility, and thermodynamic stability) indicates that this missense variant is expected to disrupt SLC4A1 protein function with a positive predictive value of 80%. In summary, the available evidence is currently insufficient to determine the role of this variant in disease. Therefore, it has been classified as a Variant of Uncertain Significance.